The following is an entry in ClinVar:

NM_001958.5(EEF1A2):c.1286T>G (p.Met429Arg)

Gene: EEF1A2 (eukaryotic translation elongation factor 1 alpha 2; minus strand). Cytogenetic location: 20q13.33.
Variant type: single nucleotide variant.
Coding change: c.1286T>G on transcript NM_001958.5 (MANE Select); coding-DNA position 1286, T replaced by G.
Protein change: p.Met429Arg; replaces methionine 429 with arginine.
Molecular consequence: missense variant.
Genome position (GRCh38, 1-based): chr20:63,488,404, A>C on the plus strand (T>G on the coding strand, the complement: EEF1A2 is on the minus strand). VCF-style: chr20-63488404-A-C. GRCh37 (hg19) VCF-style: chr20-62119757-A-C.
Other names: short protein forms M429R.
Identifiers: ClinVar variation 2500024 (VCV002500024.2), dbSNP rs2516772328, ClinGen allele CA409643770.

ClinVar aggregate classification (germline): Uncertain significance. Review status: criteria provided, multiple submitters, no conflicts (2 of 4 stars). 2 submissions from 2 submitters: Uncertain significance (2). Last evaluated 2025-03-17.

Conditions:
Developmental and epileptic encephalopathy, 33 (DEE33). Also called: Epileptic encephalopathy, early infantile, 33. Identifiers: Orphanet 442835, MedGen C4225337, MONDO:0014625, OMIM 616409.
Intellectual developmental disorder, autosomal dominant 38. Also called: Intellectual disability, autosomal dominant 38; PSYCHOMOTOR RETARDATION, EPILEPSY, AND LANGUAGE DISABILITY SYNDROME. Identifiers: MedGen C4225343, MONDO:0014617, OMIM 616393.

Submissions (2):

Women's Health and Genetics/Laboratory Corporation of America, LabCorp
Classification: Uncertain significance. Last evaluated: 2025-03-17. Review status: criteria provided, single submitter. Criteria: LabCorp Variant Classification Summary - May 2015. Collection method: clinical testing. Allele origin: germline.
Comment: Variant summary: EEF1A2 c.1286T>G (p.Met429Arg) results in a non-conservative amino acid change in the encoded protein sequence. Three of four in-silico tools predict a damaging effect of the variant on protein function. The variant was absent in 1457226 control chromosomes (gnomAD v4.1). The available data on variant occurrences in the general population are insufficient to allow any conclusion about variant significance. To our knowledge, no occurrence of c.1286T>G in individuals affected with EEF1A2-Related Disorders and no experimental evidence demonstrating its impact on protein function have been reported. ClinVar contains an entry for this variant (Variation ID: 2500024). Based on the evidence outlined above, the variant was classified as uncertain significance.

Center for Genomics, Ann and Robert H. Lurie Children's Hospital of Chicago
Classification: Uncertain significance for Developmental and epileptic encephalopathy, 33; Intellectual developmental disorder, autosomal dominant 38. Review status: criteria provided, single submitter. Criteria: ACMG Guidelines, 2015. Collection method: clinical testing. Allele origin: germline.
Comment: This variant has not been reported in the literature and is not present in large control databases. Evolutionary conservation suggests that this variant may impact the protein; computational predictive tools for this variant are unclear. Of note, although this variant occurs in the exon, computational prediction tools suggest that this variant may alter splicing. However, further studies are needed to understand its impact. In summary, data on this variant is insufficient for disease classification. Therefore, the clinical significance of this variant is uncertain.